The following is an entry in ClinVar:

ClinVar aggregate classification (germline): Uncertain significance. Review status: criteria provided, multiple submitters, no conflicts (2 of 4 stars). 2 submissions from 2 submitters: Uncertain significance (2). Last evaluated 2026-08-24.

Conditions:
HARS1-related disorder. Also called: HARS1-related condition.
Usher syndrome type 3B. Also called: USHER SYNDROME, TYPE IIIB. Identifiers: MedGen C3281066, MONDO:0013788, OMIM 614504.

Allele frequency attached by ClinVar (database versions not stated): TOPMed 0.00003.

Submissions (2):

PreventionGenetics, part of Exact Sciences
Classification: Uncertain significance for HARS1-related condition. Last evaluated: 2026-08-24. Review status: criteria provided, single submitter. Criteria: ACMG Guidelines, 2015. Collection method: clinical testing. Allele origin: germline.
Comment: The HARS1 c.1461G>A variant is not predicted to result in an amino acid change (p.=). This variant is predicted to weaken the canonical splice acceptor site based on available splicing prediction programs (SpliceAI, Jaganathan et al. 2019. PubMed ID: 30661751). However, the use of computer prediction programs is not equivalent to functional evidence. Of note, this variant is predicted to impact the acceptor splice site of the last exon (exon 13) of HARS1 and may escape nonsense mediated decay (Lindeboom et al. 2016. PubMed ID:27618451). To our knowledge, this variant has not been reported in the literature or in a large population database (gnomAD), indicating this variant is rare. At this time, the clinical significance of this variant is uncertain due to the absence of conclusive functional and genetic evidence.

Labcorp Genetics (formerly Invitae), Labcorp
Classification: Uncertain significance for Usher syndrome type 3B. Last evaluated: 2023-05-22. Review status: criteria provided, single submitter. Criteria: Invitae Variant Classification Sherloc (09022015). Collection method: clinical testing. Allele origin: germline.
Comment: In summary, the available evidence is currently insufficient to determine the role of this variant in disease. Therefore, it has been classified as a Variant of Uncertain Significance. Algorithms developed to predict the effect of sequence changes on RNA splicing suggest that this variant may create or strengthen a splice site. ClinVar contains an entry for this variant (Variation ID: 540197). This variant has not been reported in the literature in individuals affected with HARS-related conditions. This variant is not present in population databases (gnomAD no frequency). This sequence change affects codon 487 of the HARS mRNA. It is a 'silent' change, meaning that it does not change the encoded amino acid sequence of the HARS protein.

NM_002109.6(HARS1):c.1461G>A (p.Val487=)

Gene: HARS1 (histidyl-tRNA synthetase 1; minus strand). Cytogenetic location: 5q31.3.
Variant type: single nucleotide variant.
Coding change: c.1461G>A on transcript NM_002109.6 (MANE Select); coding-DNA position 1461, G replaced by A.
Protein change: p.Val487=; no amino-acid change (valine 487 retained).
Molecular consequence: synonymous variant.
Genome position (GRCh38, 1-based): chr5:140,674,326, C>T on the plus strand (G>A on the coding strand, the complement: HARS1 is on the minus strand). VCF-style: chr5-140674326-C-T. GRCh37 (hg19) VCF-style: chr5-140053911-C-T.
Other names: c.1341G>A, p.Val447= (NM_001258040.3); c.1401G>A, p.Val467= (NM_001258041.3); c.1281G>A, p.Val427= (NM_001258042.3); c.1239G>A, p.Val413= (NM_001289092.2); c.1119G>A, p.Val373= (NM_001289093.2); c.1374G>A, p.Val458= (NM_001289094.2).
Identifiers: ClinVar variation 540197 (VCV000540197.9), dbSNP rs931036155, ClinGen allele CA128376537.